The following is an entry in ClinVar:

NM_138395.4(MARS2):c.549C>T (p.Thr183=)

Gene: MARS2 (methionyl-tRNA synthetase 2, mitochondrial; plus strand). Cytogenetic location: 2q33.1.
Variant type: single nucleotide variant.
Coding change: c.549C>T on transcript NM_138395.4 (MANE Select); coding-DNA position 549, C replaced by T.
Protein change: p.Thr183=; no amino-acid change (threonine 183 retained).
Molecular consequence: synonymous variant.
Genome position (GRCh38, 1-based): chr2:197,705,954, C>T. VCF-style: chr2-197705954-C-T. GRCh37 (hg19) VCF-style: chr2-198570678-C-T.
Identifiers: ClinVar variation 1206926 (VCV001206926.36), dbSNP rs775612759, ClinGen allele CA2044601.
Genomic context (GRCh38, chr2:197,705,954, plus strand): 5'-CGTCTATGAAGGTTGGTATTGCGCTTCCGACGAGTGCTTCCTGCCTGAGGCCAAGGTCAC[C>T]CAGCAGCCGGGCCCATCGGGGGATTCGTTTCCTGTATCTCTCGAGAGCGGGCATCCAGTC-3'
Protein context (NP_612404.1, residues 173-193): DECFLPEAKV[Thr183=]QQPGPSGDSF

ClinVar aggregate classification (germline): Likely benign. Review status: criteria provided, multiple submitters, no conflicts (2 of 4 stars). 4 submissions from 4 submitters: Likely benign (4). Last evaluated 2025-10-02.

Allele frequency attached by ClinVar (database versions not stated): ExAC 0.00004; gnomAD exomes 0.00006 and 0.00009; gnomAD 0.00009.

Submissions (4):

Labcorp Genetics (formerly Invitae), Labcorp
Classification: Likely benign. Last evaluated: 2025-10-02. Review status: criteria provided, single submitter. Criteria: Invitae Variant Classification Sherloc (09022015). Collection method: clinical testing. Allele origin: germline.

Blueprint Genetics
Classification: Likely benign. Last evaluated: 2024-01-09. Review status: criteria provided, single submitter. Criteria: ACMG Guidelines, 2015. Collection method: clinical testing. Allele origin: germline.

CeGaT Center for Human Genetics Tuebingen
Classification: Likely benign. Last evaluated: 2022-09-01. Review status: criteria provided, single submitter. Criteria: CeGaT Center For Human Genetics Tuebingen Variant Classification Criteria Version 2. Collection method: clinical testing. Allele origin: germline. Affected: yes. Observed: 2 variant alleles.
Comment: MARS2: BP4, BP7

GeneDx
Classification: Likely benign. Last evaluated: 2020-06-22. Review status: criteria provided, single submitter. Criteria: GeneDx Variant Classification Process June 2021. Collection method: clinical testing. Allele origin: germline. Affected: yes.